The following is an entry in ClinVar:

NM_001001671.4(MAP3K15):c.1369A>C (p.Met457Leu)

Gene: MAP3K15 (mitogen-activated protein kinase kinase kinase 15; minus strand). Cytogenetic location: Xp22.12.
Variant type: single nucleotide variant.
Coding change: c.1369A>C on transcript NM_001001671.4 (MANE Select); coding-DNA position 1369, A replaced by C.
Protein change: p.Met457Leu; replaces methionine 457 with leucine.
Molecular consequence: missense variant.
Genome position (GRCh38, 1-based): chrX:19,425,601, T>G on the plus strand (A>C on the coding strand, the complement: MAP3K15 is on the minus strand). VCF-style: chrX-19425601-T-G. GRCh37 (hg19) VCF-style: chrX-19443719-T-G.
Other names: short protein forms M457L.
Identifiers: ClinVar variation 3033963 (VCV003033963.2), dbSNP rs140553102, ClinGen allele CA10364097.

ClinVar aggregate classification (germline): Likely benign (0 of 4 stars; one submission).

Conditions:
MAP3K15-related disorder. Also called: MAP3K15-related condition.

Allele frequency attached by ClinVar (database versions not stated): 1000 Genomes Project 30x 0.00125.
gnomAD v4.1: 162 of 1,197,875 alleles (0.014%); highest among the groups gnomAD compares: African/African-American, 0.26%; 2 homozygotes.

Submission:

PreventionGenetics, part of Exact Sciences
Classification: Likely benign for MAP3K15-related condition. Last evaluated: 2023-07-16. Review status: no assertion criteria provided. Collection method: clinical testing. Allele origin: germline.
Comment: This variant is classified as likely benign based on ACMG/AMP sequence variant interpretation guidelines (Richards et al. 2015 PMID: 25741868, with internal and published modifications).